The following is an entry in ClinVar:

ClinVar aggregate classification (germline): Pathogenic. Review status: criteria provided, multiple submitters, no conflicts (2 of 4 stars). 3 submissions from 3 submitters: Pathogenic (3). Last evaluated 2025-04-21.

Conditions:
Familial adenomatous polyposis 3. Also called: NTHL1-Related Adenomatous Polyposis and Colorectal Cancer; NTHL1 Tumor Syndrome; NTHL1-associated polyposis; NTHL1-related attenuated familial adenomatous polyposis. Identifiers: Orphanet 220460, Orphanet 454840, MedGen C4225157, MONDO:0014630, OMIM 616415.
Hereditary cancer-predisposing syndrome. Also called: Neoplastic Syndromes, Hereditary; Tumor predisposition; Hereditary Cancer Syndrome; Hereditary neoplastic syndrome. Identifiers: Orphanet 140162, MedGen C0027672, MeSH D009386, MONDO:0015356.

Submissions (3):

Labcorp Genetics (formerly Invitae), Labcorp
Classification: Pathogenic. Last evaluated: 2025-04-21. Review status: criteria provided, single submitter. Criteria: Invitae Variant Classification Sherloc (09022015). Collection method: clinical testing. Allele origin: germline.
Comment: This sequence change creates a premature translational stop signal (p.Asp111Glyfs*6) in the NTHL1 gene. It is expected to result in an absent or disrupted protein product. Loss-of-function variants in NTHL1 are known to be pathogenic (PMID: 25938944, 26559593). This variant is not present in population databases (gnomAD no frequency). This variant has not been reported in the literature in individuals affected with NTHL1-related conditions. ClinVar contains an entry for this variant (Variation ID: 1074525). Algorithms developed to predict the effect of sequence changes on RNA splicing suggest that this variant may disrupt the consensus splice site. For these reasons, this variant has been classified as Pathogenic.

Myriad Genetics, Inc.
Classification: Pathogenic for Familial adenomatous polyposis 3. Last evaluated: 2025-01-31. Review status: criteria provided, single submitter. Criteria: Myriad Autosomal Dominant, Autosomal Recessive and X-Linked Classification Criteria (2023). Collection method: clinical testing. Allele origin: unknown.
Comment: This variant is considered pathogenic. This variant creates a frameshift predicted to result in premature protein truncation.

Ambry Genetics
Classification: Pathogenic for Hereditary cancer-predisposing syndrome. Last evaluated: 2023-01-03. Review status: criteria provided, single submitter. Criteria: Ambry Variant Classification Scheme 2023. Collection method: clinical testing. Allele origin: germline.
Comment: The c.331dupG pathogenic mutation, located in coding exon 2 of the NTHL1 gene, results from a duplication of G at nucleotide position 331, causing a translational frameshift with a predicted alternate stop codon (p.D111Gfs*6). This alteration is expected to result in loss of function by premature protein truncation or nonsense-mediated mRNA decay. As such, this alteration is interpreted as a disease-causing mutation.

Literature cited by the submitters: PubMed 25938944 (cited by Labcorp Genetics (formerly Invitae), Labcorp); PubMed 26559593 (cited by Labcorp Genetics (formerly Invitae), Labcorp).

NM_002528.7(NTHL1):c.307dup (p.Asp103fs)

Gene: NTHL1 (nth like DNA glycosylase 1; minus strand). Cytogenetic location: 16p13.3.
Variant type: Duplication.
Coding change: c.307dup on transcript NM_002528.7 (MANE Select); coding-DNA position 307, one base duplicated (G; older notation c.307dupG).
Protein change: p.Asp103fs; shifts the reading frame from aspartic acid 103.
Molecular consequence: frameshift variant. On other transcripts: intron variant (1).
Genome position (GRCh38, 1-based): chr16:2,046,175, C duplicated on the plus strand (G on the coding strand, the reverse complement: NTHL1 is on the minus strand); the first of 2 consecutive C bases (chr16:2,046,175-2,046,176); duplicating either gives the same sequence. VCF-style (leftmost placement, unchanged base first): chr16-2046174-T-TC. GRCh37 (hg19) VCF-style: chr16-2096175-T-TC.
Other names: c.307dup, p.Asp103fs (NM_001318193.2); c.24+104dup (NM_001318194.2); c.331dupG (NM_002528.5); short protein forms D103fs.
Identifiers: ClinVar variation 1074525 (VCV001074525.9), dbSNP rs2150945390, ClinGen allele CA2499223261.